The following is an entry in ClinVar:

NM_133497.4(KCNV2):c.248C>T (p.Thr83Ile)

Gene: KCNV2 (potassium voltage-gated channel modifier subfamily V member 2; plus strand). Cytogenetic location: 9p24.2.
Variant type: single nucleotide variant.
Coding change: c.248C>T on transcript NM_133497.4 (MANE Select); coding-DNA position 248, C replaced by T.
Protein change: p.Thr83Ile; replaces threonine 83 with isoleucine.
Molecular consequence: missense variant.
Genome position (GRCh38, 1-based): chr9:2,717,987, C>T. VCF-style: chr9-2717987-C-T. GRCh37 (hg19) VCF-style: chr9-2717987-C-T.
Other names: short protein forms T83I.
Identifiers: ClinVar variation 1462733 (VCV001462733.6), dbSNP rs2130860300, ClinGen allele CA372796162.
Genomic context (GRCh38, chr9:2,717,987, plus strand): 5'-AGGAGGACCAGTGGAAGGACGACCTGGCAGAAGAGGACCAGCAGGCAGGGGAGGTCACCA[C>T]CGCCAAGCCCGAGGGCCCCAGCGACCCTCCGGCCCTGCTGTCCACGCTGAATGTGAACGT-3'
Protein context (NP_598004.1, residues 73-93): EEDQQAGEVT[Thr83Ile]AKPEGPSDPP

ClinVar aggregate classification (germline): Uncertain significance (1 of 4 stars; one submission).

gnomAD v4.1: 1 of 1,614,146 alleles (0.000062%); highest among the groups gnomAD compares: South Asian, 0.0011%; no homozygotes.

Submission:

Labcorp Genetics (formerly Invitae), Labcorp
Classification: Uncertain significance. Last evaluated: 2022-10-24. Review status: criteria provided, single submitter. Criteria: Invitae Variant Classification Sherloc (09022015). Collection method: clinical testing. Allele origin: germline.
Comment: In summary, the available evidence is currently insufficient to determine the role of this variant in disease. Therefore, it has been classified as a Variant of Uncertain Significance. Advanced modeling of protein sequence and biophysical properties (such as structural, functional, and spatial information, amino acid conservation, physicochemical variation, residue mobility, and thermodynamic stability) performed at Invitae indicates that this missense variant is not expected to disrupt KCNV2 protein function. ClinVar contains an entry for this variant (Variation ID: 1462733). This variant has not been reported in the literature in individuals affected with KCNV2-related conditions. This variant is not present in population databases (gnomAD no frequency). This sequence change replaces threonine, which is neutral and polar, with isoleucine, which is neutral and non-polar, at codon 83 of the KCNV2 protein (p.Thr83Ile).